The following is an entry in ClinVar:

NM_001048174.2(MUTYH):c.524G>A (p.Arg175His)

Gene: MUTYH (mutY DNA glycosylase; minus strand). Cytogenetic location: 1p34.1.
Variant type: single nucleotide variant.
Coding change: c.524G>A on transcript NM_001048174.2 (MANE Select); coding-DNA position 524, G replaced by A.
Protein change: p.Arg175His; replaces arginine 175 with histidine.
Molecular consequence: missense variant. On other transcripts: non-coding transcript variant (2).
Genome position (GRCh38, 1-based): chr1:45,332,656, C>T on the plus strand (G>A on the coding strand, the complement: MUTYH is on the minus strand). VCF-style: chr1-45332656-C-T. GRCh37 (hg19) VCF-style: chr1-45798328-C-T.
Other names: c.524G>A, p.Arg175His (NM_001048171.2, NM_001048173.2, NM_001293195.2); c.527G>A, p.Arg176His (NM_001048172.2); c.608G>A, p.Arg203His (NM_001128425.2); c.569G>A, p.Arg190His (NM_001293190.2); c.557G>A, p.Arg186His (NM_001293191.2); c.248G>A, p.Arg83His (NM_001293192.2, NM_001293196.2); c.179G>A, p.Arg60His (NM_001350650.2, NM_001350651.2); c.599G>A, p.Arg200His (NM_012222.3); short protein forms R203H, R200H, R60H, R190H, R176H, R175H, R186H, R83H.
Identifiers: ClinVar variation 230143 (VCV000230143.24), dbSNP rs538383136, ClinGen allele CA058419.

ClinVar aggregate classification (germline): Conflicting classifications of pathogenicity. Review status: criteria provided, conflicting classifications (1 of 4 stars). 5 submissions from 5 submitters: Uncertain significance (4); Benign (1). Last evaluated 2025-10-02.

Conditions:
Hereditary cancer-predisposing syndrome. Also called: Tumor predisposition; Hereditary Cancer Syndrome; Neoplastic Syndromes, Hereditary; Hereditary neoplastic syndrome. Identifiers: Orphanet 140162, MedGen C0027672, MeSH D009386, MONDO:0015356.
Familial adenomatous polyposis 2. Also called: MYH-associated polyposis; FAP type 2; ADENOMAS, MULTIPLE COLORECTAL, AUTOSOMAL RECESSIVE; MUTYH Polyposis; MUTYH-associated polyposis; MUTYH-related attenuated familial adenomatous polyposis. Identifiers: Orphanet 220460, Orphanet 247798, MedGen C3272841, MONDO:0012041, OMIM 608456.

Allele frequency attached by ClinVar (database versions not stated): gnomAD 0.00001; TOPMed 0.00002.
gnomAD v4.1: 5 of 1,613,988 alleles (0.00031%); highest among the groups gnomAD compares: South Asian, 0.0022%; no homozygotes.

Submissions (5):

Labcorp Genetics (formerly Invitae), Labcorp
Classification: Uncertain significance for Familial adenomatous polyposis 2. Last evaluated: 2025-10-02. Review status: criteria provided, single submitter. Criteria: Invitae Variant Classification Sherloc (09022015). Collection method: clinical testing. Allele origin: germline.
Comment: This sequence change replaces arginine, which is basic and polar, with histidine, which is basic and polar, at codon 203 of the MUTYH protein (p.Arg203His). This variant is present in population databases (rs538383136, gnomAD 0.003%). This missense change has been observed in individual(s) with multiple colorectal adenomas (PMID: 17949294). ClinVar contains an entry for this variant (Variation ID: 230143). An algorithm developed to predict the effect of missense changes on protein structure and function outputs the following: PolyPhen-2: "Benign". The histidine amino acid residue is found in multiple mammalian species, which suggests that this missense change does not adversely affect protein function. In summary, the available evidence is currently insufficient to determine the role of this variant in disease. Therefore, it has been classified as a Variant of Uncertain Significance.

Ambry Genetics
Classification: Benign for Hereditary cancer-predisposing syndrome. Last evaluated: 2025-09-17. Review status: criteria provided, single submitter. Criteria: Ambry Variant Classification Scheme 2023. Collection method: clinical testing. Allele origin: germline.

Women's Health and Genetics/Laboratory Corporation of America, LabCorp
Classification: Uncertain significance. Last evaluated: 2024-08-09. Review status: criteria provided, single submitter. Criteria: LabCorp Variant Classification Summary - May 2015. Collection method: clinical testing. Allele origin: germline.
Comment: Variant summary: MUTYH c.608G>A (p.Arg203His) results in a non-conservative amino acid change located in the HhH-GPD domain (IPR003265) of the encoded protein sequence. Four of five in-silico tools predict a benign effect of the variant on protein function. The variant allele was found at a frequency of 4e-06 in 251462 control chromosomes. The available data on variant occurrences in the general population are insufficient to allow any conclusion about variant significance. c.608G>A has been reported in the literature in at-least one individual in a cohort of APC-negative patients with more than five colorectal adenomas (Olschwang_GT_2007). These report(s) do not provide unequivocal conclusions about association of the variant with MUTYH-Associated Polyposis. To our knowledge, no experimental evidence demonstrating an impact on protein function has been reported. The following publication has been ascertained in the context of this evaluation (PMID: 17949294). ClinVar contains an entry for this variant (Variation ID: 230143). Based on the evidence outlined above, the variant was classified as uncertain significance.

Baylor Genetics
Classification: Uncertain significance for Familial adenomatous polyposis 2. Last evaluated: 2024-03-14. Review status: criteria provided, single submitter. Criteria: ACMG Guidelines, 2015. Collection method: clinical testing. Allele origin: unknown.

Color Diagnostics, LLC DBA Color Health
Classification: Uncertain significance for Hereditary cancer-predisposing syndrome. Last evaluated: 2020-04-23. Review status: criteria provided, single submitter. Criteria: ACMG Guidelines, 2015. Collection method: clinical testing. Allele origin: germline.
Comment: This missense variant replaces arginine with histidine at codon 203 of the MUTYH protein. Computational prediction suggests that this variant may not impact protein structure and function (internally defined REVEL score threshold <= 0.5, PMID: 27666373). To our knowledge, functional studies have not been reported for this variant. This variant has been reported in an individual affected with multiple colorectal adenomas (PMID: 17949294). This variant has been identified in 1/251462 chromosomes in the general population by the Genome Aggregation Database (gnomAD). The available evidence is insufficient to determine the role of this variant in disease conclusively. Therefore, this variant is classified as a Variant of Uncertain Significance.

Literature cited by the submitters: PubMed 17949294 (cited by 3 submitters).